The following is an entry in ClinVar:

NM_000059.4(BRCA2):c.5964dup (p.Ser1989fs)

Gene: BRCA2 (BRCA2 DNA repair associated; plus strand). Cytogenetic location: 13q13.1.
Variant type: Duplication.
Coding change: c.5964dup on transcript NM_000059.4 (MANE Select); coding-DNA position 5964, one base duplicated (A; older notation c.5964dupA).
Protein change: p.Ser1989fs; shifts the reading frame from serine 1989.
Molecular consequence: frameshift variant. On other transcripts: non-coding transcript variant (1), intron variant (2).
Genome position (GRCh38, 1-based): chr13:32,340,319, A duplicated. VCF-style (leftmost placement, unchanged base first): chr13-32340318-T-TA. GRCh37 (hg19) VCF-style: chr13-32914455-T-TA.
Other names: c.5964dup, p.Ser1989fs (NM_001406719.1, NM_001406720.1, NM_001432077.1); c.1910-4239dup (NM_001406721.1); c.425-4239dup (NM_001406722.1); short protein forms S1989fs.
Identifiers: ClinVar variation 3904728 (VCV003904728.1).
Genomic context (GRCh38, chr13:32,340,318, plus strand): 5'-CAGTCTCATCTGCAAATACTTGTGGGATTTTTAGCACAGCAAGTGGAAAATCTGTCCAGG[T>TA]ATCAGATGCTTCATTACAAAACGCAAGACAAGTGTTTTCTGAAATAGAAGATAGTACCAA-3'

ClinVar aggregate classification (germline): Pathogenic (1 of 4 stars; one submission).

Conditions:
Breast-ovarian cancer, familial, susceptibility to, 2 (BROVCA2). Also called: BRCA2 Hereditary Breast and Ovarian Cancer. Identifiers: Orphanet 145, MedGen C2675520, MONDO:0012933, OMIM 612555. Disease mechanism: loss of function.

Submission:

Myriad Genetics, Inc.
Classification: Pathogenic for Breast-ovarian cancer, familial, susceptibility to, 2. Last evaluated: 2025-02-25. Review status: criteria provided, single submitter. Criteria: Myriad Autosomal Dominant, Autosomal Recessive and X-Linked Classification Criteria (2023). Collection method: clinical testing. Allele origin: unknown.
Comment: This variant is considered pathogenic. This variant creates a frameshift predicted to result in premature protein truncation.